The following is an entry in ClinVar:

ClinVar aggregate classification (germline): Uncertain significance (1 of 4 stars; one submission).

Conditions:
Hereditary cancer-predisposing syndrome. Also called: Neoplastic Syndromes, Hereditary; Tumor predisposition; Hereditary Cancer Syndrome; Hereditary neoplastic syndrome. Identifiers: Orphanet 140162, MedGen C0027672, MeSH D009386, MONDO:0015356.

Submission:

Ambry Genetics
Classification: Uncertain significance for Hereditary cancer-predisposing syndrome. Last evaluated: 2025-09-16. Review status: criteria provided, single submitter. Criteria: Ambry Variant Classification Scheme 2023. Collection method: clinical testing. Allele origin: germline.
Comment: The p.N31S variant (also known as c.92A>G), located in coding exon 2 of the EPCAM gene, results from an A to G substitution at nucleotide position 92. The asparagine at codon 31 is replaced by serine, an amino acid with highly similar properties. This amino acid position is conserved. In addition, this alteration is predicted to be tolerated by in silico analysis. Based on the available evidence, the clinical significance of this variant remains unclear.

NM_002354.3(EPCAM):c.92A>G (p.Asn31Ser)

Gene: EPCAM (epithelial cell adhesion molecule; plus strand). Cytogenetic location: 2p21.
Variant type: single nucleotide variant.
Coding change: c.92A>G on transcript NM_002354.3 (MANE Select); coding-DNA position 92, A replaced by G.
Protein change: p.Asn31Ser; replaces asparagine 31 with serine.
Molecular consequence: missense variant.
Genome position (GRCh38, 1-based): chr2:47,373,478, A>G. VCF-style: chr2-47373478-A-G. GRCh37 (hg19) VCF-style: chr2-47600617-A-G.
Other names: short protein forms N31S.
Identifiers: ClinVar variation 4640330 (VCV004640330.1).
Genomic context (GRCh38, chr2:47,373,478, plus strand): 5'-TAATAGATCCACATTTTAAAGTAGATTTTTTTTTTAATTTTCTAGAATGTGTCTGTGAAA[A>G]CTACAAGCTGGCCGTAAACTGCTTTGTGAATAATAATCGTCAATGCCAGTGTACTTCAGT-3'
Protein context (NP_002345.2, residues 21-41): AAAQEECVCE[Asn31Ser]YKLAVNCFVN